The following is an entry in ClinVar:

ClinVar aggregate classification (germline): Benign/Likely benign. Review status: criteria provided, multiple submitters, no conflicts (2 of 4 stars). 11 submissions from 11 submitters: Benign (8); Likely benign (3). Last evaluated 2026-09-01.

Conditions:
Cardiovascular phenotype. Identifiers: MedGen CN230736.
Ehlers-Danlos syndrome (EDS). Identifiers: Orphanet 98249, MedGen C0013720, MONDO:0020066.
Brittle cornea syndrome 1 (BCS1). Also called: DYSGENESIS MESODERMALIS CORNEAE ET SCLERAE; CORNEAL FRAGILITY, KERATOGLOBUS, BLUE SCLERAE, JOINT HYPEREXTENSIBILITY; EDS6B; Corneal fragility keratoglobus, blue sclerae AND joint hypermobility; FRAGILITAS OCULI WITH JOINT HYPEREXTENSIBILITY. Identifiers: Orphanet 90354, MedGen C0268344, MONDO:0024543, OMIM 229200.

Allele frequency attached by ClinVar (database versions not stated): 1000 Genomes Project 30x 0.00859; 1000 Genomes Project 0.00879; gnomAD 0.00939; TOPMed 0.00962; gnomAD exomes 0.01264 and 0.01731; ExAC 0.01520.
gnomAD v4.1: 25,868 of 1,549,950 alleles (1.7%); highest among the groups gnomAD compares: South Asian, 2.1%; 258 homozygotes.

Submissions (11):

CeGaT Center for Human Genetics Tuebingen
Classification: Benign. Last evaluated: 2026-09-01. Review status: criteria provided, single submitter. Criteria: CeGaT Center For Human Genetics Tuebingen Variant Classification Criteria Version 2. Collection method: clinical testing. Allele origin: germline. Affected: yes. Observed: 37 variant alleles.
Comment: ZNF469: BP4, BS1, BS2

Labcorp Genetics (formerly Invitae), Labcorp
Classification: Benign. Last evaluated: 2026-02-04. Review status: criteria provided, single submitter. Criteria: Invitae Variant Classification Sherloc (09022015). Collection method: clinical testing. Allele origin: germline.

Blueprint Genetics
Classification: Likely benign. Last evaluated: 2024-11-27. Review status: criteria provided, single submitter. Criteria: ACMG Guidelines, 2015. Collection method: clinical testing. Allele origin: germline.

Mayo Clinic Laboratories, Mayo Clinic
Classification: Benign. Last evaluated: 2023-01-26. Review status: criteria provided, single submitter. Criteria: ACMG Guidelines, 2015. Collection method: clinical testing. Allele origin: germline. Observed: 83 variant alleles.
Comment: BS1, BS2, BP4

Women's Health and Genetics/Laboratory Corporation of America, LabCorp
Classification: Likely benign. Last evaluated: 2022-05-03. Review status: criteria provided, single submitter. Criteria: LabCorp Variant Classification Summary - May 2015. Collection method: clinical testing. Allele origin: germline.

Genome Diagnostics Laboratory, The Hospital for Sick Children
Classification: Benign for Ehlers-Danlos syndrome. Last evaluated: 2022-04-21. Review status: criteria provided, single submitter. Criteria: ACMG Guidelines, 2015. Collection method: clinical testing. Allele origin: germline.

Genome-Nilou Lab
Classification: Benign for Brittle cornea syndrome 1. Last evaluated: 2021-12-05. Review status: criteria provided, single submitter. Criteria: ACMG Guidelines, 2015. Collection method: clinical testing. Allele origin: germline. Affected: no.

Ambry Genetics
Classification: Benign for Cardiovascular phenotype. Last evaluated: 2019-01-07. Review status: criteria provided, single submitter. Criteria: Ambry Variant Classification Scheme 2023. Collection method: clinical testing. Allele origin: germline.

GeneDx
Classification: Benign. Last evaluated: 2018-06-04. Review status: criteria provided, single submitter. Criteria: GeneDx Variant Classification Process June 2021. Collection method: clinical testing. Allele origin: germline. Affected: yes.
Comment: This variant is associated with the following publications: (PMID: 29111844, 25097247, 25564447)

Eurofins Ntd Llc (ga)
Classification: Benign. Last evaluated: 2015-10-08. Review status: criteria provided, single submitter. Criteria: EGL Classification Definitions 2015. Collection method: clinical testing. Allele origin: germline. Observed: 1 variant allele, 1 heterozygote.

Breakthrough Genomics
Classification: Likely benign. Review status: criteria provided, single submitter. Criteria: ACMG Guidelines, 2015. Collection method: not provided. Allele origin: germline. Inheritance: Autosomal recessive inheritance. Affected: yes.

Literature cited by the submitters: PubMed 25097247 (cited by Ambry Genetics); PubMed 25564447 (cited by Ambry Genetics); PubMed 29228253 (cited by Ambry Genetics).

NM_001367624.2(ZNF469):c.1697C>T (p.Ala566Val)

Gene: ZNF469 (zinc finger protein 469; plus strand). Cytogenetic location: 16q24.2.
Variant type: single nucleotide variant.
Coding change: c.1697C>T on transcript NM_001367624.2 (MANE Select); coding-DNA position 1697, C replaced by T.
Protein change: p.Ala566Val; replaces alanine 566 with valine.
Molecular consequence: missense variant.
Genome position (GRCh38, 1-based): chr16:88,429,167, C>T. VCF-style: chr16-88429167-C-T. GRCh37 (hg19) VCF-style: chr16-88495575-C-T.
Other names: NM_001127464.1:c.1697C>T; NM_001127464.2:c.1697C>T; p.Ala566Val; short protein forms A566V.
Identifiers: ClinVar variation 283580 (VCV000283580.67), dbSNP rs181785233, ClinGen allele CA8224697.
Genomic context (GRCh38, chr16:88,429,167, plus strand): 5'-CACTGTTCACCTACAACGGAATGACAGACCCTGGGGCTCAGCCCCTGTTCTTCGGGGTGG[C>T]CCAGCCCCAGGTTTCACCCCACGGGACACCCAGCCTGCCCCCACCGAGGGTAGTGGGAGC-3'
Protein context (NP_001354553.1, residues 556-576): PGAQPLFFGV[Ala566Val]QPQVSPHGTP